The following is an entry in ClinVar:

ClinVar aggregate classification (germline): Uncertain significance. Review status: criteria provided, multiple submitters, no conflicts (2 of 4 stars). 2 submissions from 2 submitters: Uncertain significance (2). Last evaluated 2025-01-05.

Conditions:
Brugada syndrome 5 (BRGDA5). Identifiers: Orphanet 130, Orphanet 871, MedGen C2748541, MONDO:0013015, OMIM 612838.

Allele frequency attached by ClinVar (database versions not stated): gnomAD exomes below 0.00001; TOPMed 0.00001.
gnomAD v4.1: 5 of 1,552,152 alleles (0.00032%); highest among the groups gnomAD compares: African/African-American, 0.0014%; no homozygotes.

Submissions (2):

Labcorp Genetics (formerly Invitae), Labcorp
Classification: Uncertain significance for Brugada syndrome 5. Last evaluated: 2025-01-05. Review status: criteria provided, single submitter. Criteria: Invitae Variant Classification Sherloc (09022015). Collection method: clinical testing. Allele origin: germline.
Comment: This sequence change replaces glycine, which is neutral and non-polar, with arginine, which is basic and polar, at codon 227 of the SCN1B protein (p.Gly227Arg). This variant is not present in population databases (gnomAD no frequency). This variant has not been reported in the literature in individuals affected with SCN1B-related conditions. ClinVar contains an entry for this variant (Variation ID: 1216107). An algorithm developed to predict the effect of missense changes on protein structure and function outputs the following: PolyPhen-2: "Probably Damaging". The arginine amino acid residue is found in multiple mammalian species, which suggests that this missense change does not adversely affect protein function. Algorithms developed to predict the effect of sequence changes on RNA splicing suggest that this variant may create or strengthen a splice site. In summary, the available evidence is currently insufficient to determine the role of this variant in disease. Therefore, it has been classified as a Variant of Uncertain Significance.

GeneDx
Classification: Uncertain significance. Last evaluated: 2022-12-08. Review status: criteria provided, single submitter. Criteria: GeneDx Variant Classification Process June 2021. Collection method: clinical testing. Allele origin: germline. Affected: yes.
Comment: Located in an alternate transcript of the gene; Not observed in large population cohorts (gnomAD); In silico analysis supports that this variant does not alter splicing; Has not been previously published as pathogenic or benign to our knowledge

NM_001037.5(SCN1B):c.448+231G>A

Gene: SCN1B (sodium voltage-gated channel beta subunit 1; plus strand). Cytogenetic location: 19q13.11.
Variant type: single nucleotide variant.
Coding change: c.448+231G>A on transcript NM_001037.5 (MANE Select); 231 bases into the intron after coding-DNA position 448, G replaced by A.
Molecular consequence: intron variant. On other transcripts: missense variant (1).
Genome position (GRCh38, 1-based): chr19:35,033,970, G>A. VCF-style: chr19-35033970-G-A. GRCh37 (hg19) VCF-style: chr19-35524874-G-A.
Other names: c.679G>A, p.Gly227Arg (NM_199037.5); c.349+231G>A (NM_001321605.2); short protein forms G227R.
Identifiers: ClinVar variation 1216107 (VCV001216107.9), dbSNP rs1412614368, ClinGen allele CA405329622.
Genomic context (GRCh38, chr19:35,033,970, plus strand): 5'-CCTCTGTTTCTCTCCAGCCCACGGAGAGGTCAAAGCATGCCTGTCCCCCACAGACGCTCC[G>A]GGTACAGAACCCAGCTCTGTCACCTGTGCTGTATGACCTCTGGCAGGTGCCTTCTGTCTC-3'